The following is an entry in ClinVar:

NM_024105.4(ALG12):c.1274G>T (p.Gly425Val)

Gene: ALG12 (ALG12 alpha-1,6-mannosyltransferase; minus strand). Cytogenetic location: 22q13.33.
Variant type: single nucleotide variant.
Coding change: c.1274G>T on transcript NM_024105.4 (MANE Select); coding-DNA position 1274, G replaced by T.
Protein change: p.Gly425Val; replaces glycine 425 with valine.
Molecular consequence: missense variant.
Genome position (GRCh38, 1-based): chr22:49,904,031, C>A on the plus strand (G>T on the coding strand, the complement: ALG12 is on the minus strand). VCF-style: chr22-49904031-C-A. GRCh37 (hg19) VCF-style: chr22-50297679-C-A.
Other names: short protein forms G425V.
Identifiers: ClinVar variation 2119620 (VCV002119620.4), dbSNP rs1453411608, ClinGen allele CA412071768.

ClinVar aggregate classification (germline): Uncertain significance (1 of 4 stars; one submission).

Conditions:
ALG12-congenital disorder of glycosylation (CDG1G). Also called: CDG Ig; ALG12-CDG; Congenital disorder of glycosylation, type Ig. Identifiers: Orphanet 79324, MedGen C2931001, MONDO:0011783, OMIM 607143.

gnomAD v4.1: 1 of 1,614,184 alleles (0.000062%); highest among the groups gnomAD compares: Non-Finnish European, 0.000085%; no homozygotes.

Submission:

Labcorp Genetics (formerly Invitae), Labcorp
Classification: Uncertain significance for ALG12-congenital disorder of glycosylation. Last evaluated: 2022-08-15. Review status: criteria provided, single submitter. Criteria: Invitae Variant Classification Sherloc (09022015). Collection method: clinical testing. Allele origin: germline.
Comment: This sequence change replaces glycine, which is neutral and non-polar, with valine, which is neutral and non-polar, at codon 425 of the ALG12 protein (p.Gly425Val). This variant is not present in population databases (gnomAD no frequency). In summary, the available evidence is currently insufficient to determine the role of this variant in disease. Therefore, it has been classified as a Variant of Uncertain Significance. Algorithms developed to predict the effect of missense changes on protein structure and function (SIFT, PolyPhen-2, Align-GVGD) all suggest that this variant is likely to be tolerated. This variant has not been reported in the literature in individuals affected with ALG12-related conditions.